The following is an entry in ClinVar:

ClinVar aggregate classification (germline): Likely benign (1 of 4 stars; one submission).

Allele frequency attached by ClinVar (database versions not stated): gnomAD exomes below 0.00001 and 0.00001; ExAC 0.00001.
gnomAD v4.1: 4 of 1,613,096 alleles (0.00025%); highest among the groups gnomAD compares: Non-Finnish European, 0.00034%; no homozygotes.

Submission:

GeneDx
Classification: Likely benign. Last evaluated: 2017-09-18. Review status: criteria provided, single submitter. Criteria: GeneDx Variant Classification (06012015). Collection method: clinical testing. Allele origin: germline. Affected: yes.
Comment: This variant is considered likely benign or benign based on one or more of the following criteria: it is a conservative change, it occurs at a poorly conserved position in the protein, it is predicted to be benign by multiple in silico algorithms, and/or has population frequency not consistent with disease.

NM_001478.5(B4GALNT1):c.532-12A>G

Gene: B4GALNT1 (beta-1,4-N-acetyl-galactosaminyltransferase 1; minus strand). Cytogenetic location: 12q13.3.
Variant type: single nucleotide variant.
Coding change: c.532-12A>G on transcript NM_001478.5 (MANE Select); 12 bases into the intron before coding-DNA position 532, A replaced by G.
Molecular consequence: intron variant.
Genome position (GRCh38, 1-based): chr12:57,630,344, T>C on the plus strand (A>G on the coding strand, the complement: B4GALNT1 is on the minus strand). VCF-style: chr12-57630344-T-C. GRCh37 (hg19) VCF-style: chr12-58024127-T-C.
Other names: c.367-12A>G (NM_001276468.2); c.532-12A>G (NM_001276469.2).
Identifiers: ClinVar variation 511996 (VCV000511996.1), dbSNP rs754916922, ClinGen allele CA6655727.
Genomic context (GRCh38, chr12:57,630,344, plus strand): 5'-TCACTTCCCCTGCCACGTCCCAGGTGCCTAGGGAGGCAGTCAGGTTCACCTAGGAGGGGA[T>C]TGGAGAGTGCAGGGTTAGGCCCCAGACCCACTTCTTGCCTCCCTGATTCGCCCATCCTTC-3'